The following is an entry in ClinVar:

NM_001267550.2(TTN):c.22529-47dup

Gene: TTN (titin; minus strand). Cytogenetic location: 2q31.2.
Variant type: Duplication.
Coding change: c.22529-47dup on transcript NM_001267550.2 (MANE Select); 47 bases into the intron before coding-DNA position 22529, one base duplicated (A; older notation c.22529-47dupA).
Molecular consequence: intron variant.
Genome position (GRCh38, 1-based): chr2:178,722,175, T duplicated on the plus strand (A on the coding strand, the reverse complement: TTN is on the minus strand); the first of 7 consecutive T bases (chr2:178,722,175-178,722,181); duplicating any one gives the same sequence. VCF-style (leftmost placement, unchanged base first): chr2-178722174-G-GT. GRCh37 (hg19) VCF-style: chr2-179586901-G-GT.
Other names: c.13282+15901dup (NM_003319.4); c.13858+15901dup (NM_133437.4); c.13657+15901dup (NM_133432.3); c.18797-47dup (NM_133378.4); c.21578-47dup (NM_001256850.1); c.21578-41_21578-40insA (NM_001256850.1).
Identifiers: ClinVar variation 674241 (VCV000674241.1), dbSNP rs143276035, ClinGen allele CA2000818.

ClinVar aggregate classification (germline): Benign (1 of 4 stars; one submission).

Submission:

GeneDx
Classification: Benign. Last evaluated: 2018-06-14. Review status: criteria provided, single submitter. Criteria: GeneDx Variant Classification (06012015). Collection method: clinical testing. Allele origin: germline. Affected: yes.
Comment: This variant is considered likely benign or benign based on one or more of the following criteria: it is a conservative change, it occurs at a poorly conserved position in the protein, it is predicted to be benign by multiple in silico algorithms, and/or has population frequency not consistent with disease.